The following is an entry in ClinVar:

NM_014915.3(ANKRD26):c.-116C>T

Gene: ANKRD26 (ankyrin repeat domain 26; minus strand). Cytogenetic location: 10p12.1.
Variant type: single nucleotide variant.
Coding change: c.-116C>T on transcript NM_014915.3 (MANE Select); 116 bases upstream of the start codon, C replaced by T.
Molecular consequence: 5 prime UTR variant.
Genome position (GRCh38, 1-based): chr10:27,100,442, G>A on the plus strand (C>T on the coding strand, the complement: ANKRD26 is on the minus strand). VCF-style: chr10-27100442-G-A. GRCh37 (hg19) VCF-style: chr10-27389371-G-A.
Other names: c.-116C>T (NM_001256053.2).
Identifiers: ClinVar variation 626939 (VCV000626939.44), dbSNP rs1589393739, ClinGen allele CA913185908.

ClinVar aggregate classification (germline): Conflicting classifications of pathogenicity. Review status: criteria provided, conflicting classifications (1 of 4 stars). 8 submissions from 8 submitters: Pathogenic (3); Likely pathogenic (2); Uncertain significance (1). 2 of the submissions do not count toward it. Last evaluated 2024-09-21.

Conditions:
Thrombocytopenia 2 (THC2). Also called: ANKRD26-Related Thrombocytopenia. Identifiers: Orphanet 268322, MedGen C1861185, MONDO:0008555, OMIM 188000.
Thrombocytopenia. Identifiers: MedGen C0040034, MeSH D013921, MONDO:0002049, HP:0001873.
ANKRD26-related disorder. Also called: ANKRD26-related condition.

Allele frequency attached by ClinVar (database versions not stated): gnomAD exomes below 0.00001.
gnomAD v4.1: 3 of 1,472,862 alleles (0.0002%); highest among the groups gnomAD compares: Non-Finnish European, 0.00027%; no homozygotes.

Submissions (8):

Labcorp Genetics (formerly Invitae), Labcorp
Classification: Pathogenic. Last evaluated: 2024-09-21. Review status: criteria provided, single submitter. Criteria: Invitae Variant Classification Sherloc (09022015). Collection method: clinical testing. Allele origin: germline.
Comment: This variant occurs in a non-coding region of the ANKRD26 gene. It does not change the encoded amino acid sequence of the ANKRD26 protein. This variant is not present in population databases (gnomAD no frequency). This variant has been observed in individual(s) with thrombocytopenia (PMID: 21211618, 27123948). It has also been observed to segregate with disease in related individuals. ClinVar contains an entry for this variant (Variation ID: 626939). For these reasons, this variant has been classified as Pathogenic.

Victorian Clinical Genetics Services, Murdoch Childrens Research Institute
Classification: Pathogenic for Thrombocytopenia 2. Last evaluated: 2023-07-17. Review status: criteria provided, single submitter. Criteria: ACMG Guidelines, 2015. Collection method: clinical testing. Allele origin: germline. Inheritance: Autosomal dominant inheritance. Affected: yes.
Comment: Based on the classification scheme VCGS_Germline_v1.3.4, this variant is classified as Pathogenic. Following criteria are met: 0101 - Gain of function is a known mechanism of disease in this gene and is associated with thrombocytopenia 2 (MIM#188000). Functional studies showed thrombocytopenia 2-associated variants in the 5’UTR of this gene resulted in loss of RUNX1 and FLI1 binding, preventing RUNX1/FLI1-mediated repression and resulted in impaired proplatelet formation by megakaryocytes (PMID: 24430186). (I) 0107 - This gene is associated with autosomal dominant disease. (I) 0115 - Variants in this gene are known to have variable expressivity. The bleeding phenotype is variable, where most have a normal or mild bleeding phenotype without a history of spontaneous or prolonged surgical bleeding. However, some individuals experiencing spontaneous epistaxis, bruising, or menorrhagia have also been reported (PMID: 35587581). (I) 0217 - Non-coding variant with predicted effect. This 5'UTR variant is predicted to affect RUNX1 binding (PMIDs: 24430186, 35587581). (SP) 0251 - This variant is heterozygous. (I) 0301 - Variant is absent from gnomAD (both v2 and v3). (SP) 0602 - Variant is located in a hotspot region or cluster of pathogenic variants. This variant is located within the RUNX1-binding site, where the majority of pathogenic ANKRD26 variants are located (PMIDs: 24430186, 35587581, ClinVar). (SP) 0704 - Another 5’UTR variant comparable to the one identified in this case has limited previous evidence for pathogenicity. The c.-116C>G has been reported as likely pathogenic (PMID: 31064749, ClinVar). (SP) 0801 - This variant has strong previous evidence of pathogenicity in unrelated individuals. It has been reported as likely pathogenic and pathogenic by two clinical testing laboratories (ClinVar, PMID: 35970915). It has also been reported in at least three other unrelated individuals with thrombocytopenia or abnormal platelet count (PMIDs: 21211618, 26001113, 27123948, 31064749). (SP) 1208 - Inheritance information for this variant is not currently available in this individual. (I) Legend: (SP) - Supporting pathogenic, (I) - Information, (SB) - Supporting benign

CeGaT Center for Human Genetics Tuebingen
Classification: Pathogenic. Last evaluated: 2021-03-01. Review status: criteria provided, single submitter. Criteria: CeGaT Center For Human Genetics Tuebingen Variant Classification Criteria Version 2. Collection method: clinical testing. Allele origin: germline. Affected: yes. Observed: 1 variant allele.

Blueprint Genetics
Classification: Likely pathogenic for ANKRD26-related disorders. Last evaluated: 2020-01-17. Review status: criteria provided, single submitter. Criteria: ACMG Guidelines, 2015. Collection method: clinical testing. Allele origin: germline. Affected: yes. Observed: 3 variant alleles.

NIHR Bioresource Rare Diseases, University of Cambridge
Classification: Uncertain significance for Thrombocytopenia. Last evaluated: 2019-02-01. Review status: criteria provided, single submitter. Criteria: ACMG Guidelines, 2015. Collection method: research. Allele origin: unknown. Affected: yes. Observed: 1 heterozygote. Study: ThromboGenomics.

Randwick Genomics Laboratory, Prince of Wales Hospital Sydney, Australia, New South Wales Health Pathology
Classification: Likely pathogenic for Thrombocytopenia 2. Review status: criteria provided, single submitter. Criteria: ACMG Guidelines, 2015. Collection method: clinical testing. Allele origin: germline. Affected: yes.

PreventionGenetics, part of Exact Sciences
Classification: Likely pathogenic for ANKRD26-related condition. Last evaluated: 2024-05-30. Review status: no assertion criteria provided. Collection method: clinical testing. Allele origin: germline. Not counted in ClinVar's aggregate classification.
Comment: The ANKRD26 c.-116C>T variant is located in the 5' untranslated region. This variant has been reported in multiple affected members from unrelated families with thrombocytopenia (Pippucci et al. 2011. PubMed ID: 21211618; Perez Botero et al. 2016. PubMed ID: 27123948; Ewans et al. 2022. PubMed ID: 35970915). This variant has also been reported in additional individuals with ANKRD26-related disease phenotypes (Downes et al. 2019. PubMed ID: 31064749. Suppl3_SNV+INDEL; Vyas et al. 2022. PubMed ID: 35587581) as well as being reported germline in an individual with chronic myelomonocytic leukaemia (St Martin et al. 2021. PubMed ID: 34028844). A similar variant, c.-116C>G, has also been reported in 3 members of a family with thrombocytopenia suggesting that nucleotide c.-116C plays an important regulatory role for transcription of ANKRD26; however, it is unclear if this variant predisposes to myeloid malignancies (Noris et al. 2013. PubMed ID: 24030261). This variant has not been reported in a large population database, although it should be noted that this location is not covered in the gnomAD dataset. This variant is interpreted as likely pathogenic.

ISTH-SSC Genomics in Thrombosis and Hemostasis, KU Leuven, Center for Molecular and Vascular Biology
Classification: Likely pathogenic for Thrombocytopenia 2. Review status: no assertion criteria provided. Collection method: research. Allele origin: unknown. Affected: yes. Not counted in ClinVar's aggregate classification.
Comment: Submitted to GoldVariant by Neil Morgan from Birmingham Platelet Group, Birmingham, UK

Literature cited by the submitters: PubMed 21211618 (cited by Labcorp Genetics (formerly Invitae), Labcorp and Victorian Clinical Genetics Services, Murdoch Childrens Research Institute); PubMed 27123948 (cited by Labcorp Genetics (formerly Invitae), Labcorp and Victorian Clinical Genetics Services, Murdoch Childrens Research Institute); PubMed 24430186 (cited by Victorian Clinical Genetics Services, Murdoch Childrens Research Institute); PubMed 26001113 (cited by Victorian Clinical Genetics Services, Murdoch Childrens Research Institute); PubMed 31064749 (cited by Victorian Clinical Genetics Services, Murdoch Childrens Research Institute and NIHR Bioresource Rare Diseases, University of Cambridge); PubMed 35587581 (cited by Victorian Clinical Genetics Services, Murdoch Childrens Research Institute); PubMed 35970915 (cited by Victorian Clinical Genetics Services, Murdoch Childrens Research Institute).